The following is an entry in ClinVar:

ClinVar aggregate classification (germline): Benign. Review status: criteria provided, multiple submitters, no conflicts (2 of 4 stars). 3 submissions from 3 submitters: Benign (3). Last evaluated 2024-07-15.

Allele frequency attached by ClinVar (database versions not stated): gnomAD exomes 0.29842 and 0.29931; gnomAD 0.30157 and 0.30485; TOPMed 0.30272; ESP Exome Variant Server 0.30346; ExAC 0.30553; 1000 Genomes Project 30x 0.30996; 1000 Genomes Project 0.31350.
gnomAD v4.1: 430,115 of 1,430,670 alleles (30%); highest among the groups gnomAD compares: Middle Eastern, 42%; 66,046 homozygotes.

Submissions (3):

Unidad de Genómica Garrahan, Hospital de Pediatría Garrahan
Classification: Benign. Last evaluated: 2024-07-15. Review status: criteria provided, single submitter. Criteria: ACMG Guidelines, 2015. Collection method: clinical testing. Allele origin: germline. Affected: no. Observed: 35 variant alleles.
Comment: This variant is classified as Benign based on local population frequency. This variant was detected in 38% of patients studied in a panel designed for Epileptic and Developmental Encephalopathy and Progressive Myoclonus Epilepsy. Number of patients: 35. Only high quality variants are reported.

GeneDx
Classification: Benign. Last evaluated: 2020-11-20. Review status: criteria provided, single submitter. Criteria: GeneDx Variant Classification Process June 2021. Collection method: clinical testing. Allele origin: germline. Affected: yes.

Breakthrough Genomics
Classification: Benign. Review status: criteria provided, single submitter. Criteria: ACMG Guidelines, 2015. Collection method: not provided. Allele origin: germline. Inheritance: Autosomal recessive inheritance. Affected: yes.

NM_015192.4(PLCB1):c.2657-27C>T

Gene: PLCB1 (phospholipase C beta 1; plus strand). Cytogenetic location: 20p12.3.
Variant type: single nucleotide variant.
Coding change: c.2657-27C>T on transcript NM_015192.4 (MANE Select); 27 bases into the intron before coding-DNA position 2657, C replaced by T.
Molecular consequence: intron variant.
Genome position (GRCh38, 1-based): chr20:8,760,380, C>T. VCF-style: chr20-8760380-C-T. GRCh37 (hg19) VCF-style: chr20-8741027-C-T.
Other names: c.2657-27C>T (NM_182734.3).
Identifiers: ClinVar variation 1295426 (VCV001295426.5), dbSNP rs2064286, ClinGen allele CA9760342.